The following is an entry in ClinVar:

NM_201548.5(CERKL):c.422T>A (p.Ile141Asn)

Gene: CERKL (CERK like autophagy regulator; minus strand). Cytogenetic location: 2q31.3.
Variant type: single nucleotide variant.
Coding change: c.422T>A on transcript NM_201548.5 (MANE Select); coding-DNA position 422, T replaced by A.
Protein change: p.Ile141Asn; replaces isoleucine 141 with asparagine.
Molecular consequence: missense variant. On other transcripts: non-coding transcript variant (2).
Genome position (GRCh38, 1-based): chr2:181,603,896, A>T on the plus strand (T>A on the coding strand, the complement: CERKL is on the minus strand). VCF-style: chr2-181603896-A-T. GRCh37 (hg19) VCF-style: chr2-182468623-A-T.
Other names: c.422T>A, p.Ile141Asn (NM_001030311.3, NM_001030312.3, NM_001030313.3 and 3 more transcripts); short protein forms I141N.
Identifiers: ClinVar variation 1716399 (VCV001716399.5), dbSNP rs2468432943, ClinGen allele CA349730039.

ClinVar aggregate classification (germline): Uncertain significance (1 of 4 stars; one submission).

Submission:

Labcorp Genetics (formerly Invitae), Labcorp
Classification: Uncertain significance. Last evaluated: 2022-08-13. Review status: criteria provided, single submitter. Criteria: Invitae Variant Classification Sherloc (09022015). Collection method: clinical testing. Allele origin: germline.
Comment: This sequence change replaces isoleucine, which is neutral and non-polar, with asparagine, which is neutral and polar, at codon 141 of the CERKL protein (p.Ile141Asn). This variant is not present in population databases (gnomAD no frequency). This variant has not been reported in the literature in individuals affected with CERKL-related conditions. Algorithms developed to predict the effect of missense changes on protein structure and function output the following: SIFT: "Deleterious"; PolyPhen-2: "Benign"; Align-GVGD: "Class C0". The asparagine amino acid residue is found in multiple mammalian species, which suggests that this missense change does not adversely affect protein function. In summary, the available evidence is currently insufficient to determine the role of this variant in disease. Therefore, it has been classified as a Variant of Uncertain Significance.